The following is an entry in ClinVar:

GRCh37/hg19 11q13.4(chr11:70517505-70807254)x1

Gene: SHANK2 (SH3 and multiple ankyrin repeat domains 2; minus strand). Cytogenetic location: 11q13.4.
Variant type: copy number loss.
Change: copy number 1 (one copy instead of two) of chr11:70,517,505-70,807,254 (289.8 kb, GRCh37 coordinates, 1-based), cytogenetic band 11q13.4.
Identifiers: ClinVar variation 1807703 (VCV001807703.1).

ClinVar aggregate classification (germline): Likely pathogenic (1 of 4 stars; one submission).

Submission:

Quest Diagnostics Nichols Institute San Juan Capistrano
Classification: Likely pathogenic. Last evaluated: 2021-06-19. Review status: criteria provided, single submitter. Criteria: ACMG/ClinGen CNV Guidelines, 2019. Collection method: clinical testing. Allele origin: unknown.
Comment: This deletion interval involves several exons of an intragenic portion of SHANK2 (approximately exons 7-17 of 28, NM_012309.5) (OMIM 603290). Sequence variants as well as entire or intragenic deletions of this gene have been reported in patients with autism spectrum disorder, speech and developmental delay, and mild to moderate intellectual disability (OMIM 613436; Berkel, et al., Nature Genet. 2010 Jun;42(6):489-91. PMID: 20473310; Leblond et al. PLoS Genet. 2014 Sep 4;10(9):e1004580. PMID: 25188300; Pinto et al. Am J Hum Genet. 2014 May 1;94(5):677-94. PMID: 24768552; Pinto et al., Nature 2010 Jul 15;466(7304):368-372. PMID: 20531469). One study suggests SHANK2 variants may be involved within a multiple hit model for causing autism spectrum disorders (Leblond, et al., PLoS Genet. Epub 2012 Feb 9. PMID: 22346768). Based upon current medical literature, this copy number variant is interpreted as likely pathogenic.